The following is an entry in ClinVar:

NM_000091.5(COL4A3):c.2216G>A (p.Gly739Glu)

Genes: COL4A3 (collagen type IV alpha 3 chain; plus strand), MFF-DT (MFF divergent transcript; minus strand). Cytogenetic location: 2q36.3.
Variant type: single nucleotide variant.
Coding change: c.2216G>A on transcript NM_000091.5 (MANE Select); coding-DNA position 2216, G replaced by A.
Protein change: p.Gly739Glu; replaces glycine 739 with glutamic acid.
Molecular consequence: missense variant.
Genome position (GRCh38, 1-based): chr2:227,279,883, G>A. VCF-style: chr2-227279883-G-A. GRCh37 (hg19) VCF-style: chr2-228144599-G-A.
Other names: short protein forms G739E.
Identifiers: ClinVar variation 1519173 (VCV001519173.6), dbSNP rs2106147774, ClinGen allele CA350847973.

ClinVar aggregate classification (germline): Likely pathogenic (1 of 4 stars; one submission).

Allele frequency attached by ClinVar (database versions not stated): gnomAD exomes below 0.00001.
gnomAD v4.1: 1 of 1,603,732 alleles (0.000062%); highest among the groups gnomAD compares: Non-Finnish European, 0.000085%; no homozygotes.

Submission:

Labcorp Genetics (formerly Invitae), Labcorp
Classification: Likely pathogenic. Last evaluated: 2022-02-12. Review status: criteria provided, single submitter. Criteria: Invitae Variant Classification Sherloc (09022015). Collection method: clinical testing. Allele origin: germline.
Comment: This sequence change replaces glycine, which is neutral and non-polar, with glutamic acid, which is acidic and polar, at codon 739 of the COL4A3 protein (p.Gly739Glu). This variant is not present in population databases (gnomAD no frequency). This variant has not been reported in the literature in individuals affected with COL4A3-related conditions. Advanced modeling of protein sequence and biophysical properties (such as structural, functional, and spatial information, amino acid conservation, physicochemical variation, residue mobility, and thermodynamic stability) performed at Invitae indicates that this missense variant is expected to disrupt COL4A3 protein function. This variant disrupts the p.Gly739 amino acid residue in COL4A3. Other variant(s) that disrupt this residue have been determined to be pathogenic (PMID: 15954103; Invitae). This suggests that this residue is clinically significant, and that variants that disrupt this residue are likely to be disease-causing. In summary, the currently available evidence indicates that the variant is pathogenic, but additional data are needed to prove that conclusively. Therefore, this variant has been classified as Likely Pathogenic.

Literature cited by the submitters: PubMed 15954103.